The following is an entry in ClinVar:

ClinVar aggregate classification (germline): Uncertain significance (1 of 4 stars; one submission).

Conditions:
Infantile neuroaxonal dystrophy (NBIA2A). Also called: NEURODEGENERATION WITH BRAIN IRON ACCUMULATION 2A; SEITELBERGER DISEASE; Infantile neuroaxonal dystrophy 1. Identifiers: Orphanet 35069, MedGen C0270724, MONDO:0024457, OMIM 256600.

Allele frequency attached by ClinVar (database versions not stated): ExAC 0.00001; gnomAD 0.00004; TOPMed 0.00004; gnomAD exomes 0.00001.
gnomAD v4.1: 39 of 1,613,132 alleles (0.0024%); highest among the groups gnomAD compares: Middle Eastern, 0.016%; no homozygotes.

Submission:

Labcorp Genetics (formerly Invitae), Labcorp
Classification: Uncertain significance for Infantile neuroaxonal dystrophy. Last evaluated: 2022-07-12. Review status: criteria provided, single submitter. Criteria: Invitae Variant Classification Sherloc (09022015). Collection method: clinical testing. Allele origin: germline.
Comment: This sequence change replaces leucine, which is neutral and non-polar, with valine, which is neutral and non-polar, at codon 454 of the PLA2G6 protein (p.Leu454Val). This variant is present in population databases (rs758332232, gnomAD 0.004%). This variant has not been reported in the literature in individuals affected with PLA2G6-related conditions. ClinVar contains an entry for this variant (Variation ID: 1505035). Advanced modeling of protein sequence and biophysical properties (such as structural, functional, and spatial information, amino acid conservation, physicochemical variation, residue mobility, and thermodynamic stability) performed at Invitae indicates that this missense variant is not expected to disrupt PLA2G6 protein function. In summary, the available evidence is currently insufficient to determine the role of this variant in disease. Therefore, it has been classified as a Variant of Uncertain Significance.

NM_003560.4(PLA2G6):c.1360C>G (p.Leu454Val)

Gene: PLA2G6 (phospholipase A2 group VI; minus strand). Cytogenetic location: 22q13.1.
Variant type: single nucleotide variant.
Coding change: c.1360C>G on transcript NM_003560.4 (MANE Select); coding-DNA position 1360, C replaced by G.
Protein change: p.Leu454Val; replaces leucine 454 with valine.
Molecular consequence: missense variant.
Genome position (GRCh38, 1-based): chr22:38,126,438, G>C on the plus strand (C>G on the coding strand, the complement: PLA2G6 is on the minus strand). VCF-style: chr22-38126438-G-C. GRCh37 (hg19) VCF-style: chr22-38522445-G-C.
Other names: c.1198C>G, p.Leu400Val (NM_001004426.3, NM_001199562.3, NM_001349865.2 and 1 more transcripts); c.1360C>G, p.Leu454Val (NM_001349864.2); c.826C>G, p.Leu276Val (NM_001349867.2); c.682C>G, p.Leu228Val (NM_001349868.2); c.664C>G, p.Leu222Val (NM_001349869.2); short protein forms L222V, L228V, L276V, L400V, L454V.
Identifiers: ClinVar variation 1505035 (VCV001505035.3), dbSNP rs758332232, ClinGen allele CA10230897.